The following is an entry in ClinVar:

NM_013339.4(ALG6):c.940A>G (p.Ile314Val)

Gene: ALG6 (ALG6 alpha-1,3-glucosyltransferase; plus strand). Cytogenetic location: 1p31.3.
Variant type: single nucleotide variant.
Coding change: c.940A>G on transcript NM_013339.4 (MANE Select); coding-DNA position 940, A replaced by G.
Protein change: p.Ile314Val; replaces isoleucine 314 with valine.
Molecular consequence: missense variant.
Genome position (GRCh38, 1-based): chr1:63,415,910, A>G. VCF-style: chr1-63415910-A-G. GRCh37 (hg19) VCF-style: chr1-63881581-A-G.
Other names: short protein forms I314V.
Identifiers: ClinVar variation 1921393 (VCV001921393.2), dbSNP rs1035429423, ClinGen allele CA23808072.

ClinVar aggregate classification (germline): Uncertain significance (1 of 4 stars; one submission).

Conditions:
ALG6-congenital disorder of glycosylation 1C (CDG1C). Also called: CARBOHYDRATE-DEFICIENT GLYCOPROTEIN SYNDROME, TYPE I, WITH DEFICIENT GLYCOSYLATION OF DOLICHOL-LINKED OLIGOSACCHARIDE; CARBOHYDRATE-DEFICIENT GLYCOPROTEIN SYNDROME, TYPE V; Congenital disorder of glycosylation type 1C; Congenital disorder of glycosylation, type Ic; CDG Ic. Identifiers: Orphanet 79320, MedGen C2930997, MONDO:0011291, OMIM 603147.

Allele frequency attached by ClinVar (database versions not stated): gnomAD exomes below 0.00001; TOPMed below 0.00001.
gnomAD v4.1: 2 of 1,612,134 alleles (0.00012%); highest among the groups gnomAD compares: Non-Finnish European, 0.00017%; no homozygotes.

Submission:

Labcorp Genetics (formerly Invitae), Labcorp
Classification: Uncertain significance for ALG6-congenital disorder of glycosylation 1C. Last evaluated: 2022-10-13. Review status: criteria provided, single submitter. Criteria: Invitae Variant Classification Sherloc (09022015). Collection method: clinical testing. Allele origin: germline.
Comment: This sequence change replaces isoleucine, which is neutral and non-polar, with valine, which is neutral and non-polar, at codon 314 of the ALG6 protein (p.Ile314Val). This variant is not present in population databases (gnomAD no frequency). This variant has not been reported in the literature in individuals affected with ALG6-related conditions. Advanced modeling of protein sequence and biophysical properties (such as structural, functional, and spatial information, amino acid conservation, physicochemical variation, residue mobility, and thermodynamic stability) performed at Invitae indicates that this missense variant is not expected to disrupt ALG6 protein function. In summary, the available evidence is currently insufficient to determine the role of this variant in disease. Therefore, it has been classified as a Variant of Uncertain Significance.